The following is an entry in ClinVar:

ClinVar aggregate classification (germline): Conflicting classifications of pathogenicity. Review status: criteria provided, conflicting classifications (1 of 4 stars). 5 submissions from 5 submitters: Uncertain significance (1); Likely benign (4). Last evaluated 2026-07-01.

Conditions:
Primary ciliary dyskinesia. Also called: Ciliary dyskinesia. Identifiers: Orphanet 244, MedGen C0008780, MONDO:0016575, HP:0012265.
Primary ciliary dyskinesia 15. Also called: CILIARY DYSKINESIA, PRIMARY, 15, WITH OR WITHOUT SITUS INVERSUS. Identifiers: Orphanet 244, MedGen C3151137, MONDO:0013435, OMIM 613808.

Allele frequency attached by ClinVar (database versions not stated): gnomAD exomes 0.00013 and 0.00020; ExAC 0.00015; 1000 Genomes Project 30x 0.00016; 1000 Genomes Project 0.00020; gnomAD 0.00032 and 0.00034; TOPMed 0.00037; ESP Exome Variant Server 0.00039.
gnomAD v4.1: 354 of 1,614,118 alleles (0.022%); highest among the groups gnomAD compares: Middle Eastern, 0.099%; 1 homozygote.

Submissions (5):

CeGaT Center for Human Genetics Tuebingen
Classification: Likely benign. Last evaluated: 2026-07-01. Review status: criteria provided, single submitter. Criteria: CeGaT Center For Human Genetics Tuebingen Variant Classification Criteria Version 2. Collection method: clinical testing. Allele origin: germline. Affected: yes. Observed: 1 variant allele.
Comment: CCDC40: BP4, BP7

Labcorp Genetics (formerly Invitae), Labcorp
Classification: Likely benign for Primary ciliary dyskinesia. Last evaluated: 2026-01-05. Review status: criteria provided, single submitter. Criteria: Invitae Variant Classification Sherloc (09022015). Collection method: clinical testing. Allele origin: germline.

Blueprint Genetics
Classification: Likely benign. Last evaluated: 2024-10-15. Review status: criteria provided, single submitter. Criteria: ACMG Guidelines, 2015. Collection method: clinical testing. Allele origin: germline.

Ambry Genetics
Classification: Likely benign for Primary ciliary dyskinesia. Last evaluated: 2022-06-12. Review status: criteria provided, single submitter. Criteria: Ambry Variant Classification Scheme 2023. Collection method: clinical testing. Allele origin: germline.

Illumina Laboratory Services, Illumina
Classification: Uncertain significance for Primary ciliary dyskinesia 15. Last evaluated: 2018-01-13. Review status: criteria provided, single submitter. Criteria: ICSL Variant Classification Criteria 13 December 2019. Collection method: clinical testing. Allele origin: germline.

NM_017950.4(CCDC40):c.1248C>T (p.Arg416=)

Gene: CCDC40 (coiled-coil domain 40 molecular ruler complex subunit; plus strand). Cytogenetic location: 17q25.3.
Variant type: single nucleotide variant.
Coding change: c.1248C>T on transcript NM_017950.4 (MANE Select); coding-DNA position 1248, C replaced by T.
Protein change: p.Arg416=; no amino-acid change (arginine 416 retained).
Molecular consequence: synonymous variant.
Genome position (GRCh38, 1-based): chr17:80,058,582, C>T. VCF-style: chr17-80058582-C-T. GRCh37 (hg19) VCF-style: chr17-78032381-C-T.
Other names: c.1248C>T, p.Arg416= (NM_001243342.2, NM_001330508.2).
Identifiers: ClinVar variation 525571 (VCV000525571.19), dbSNP rs375199947, ClinGen allele CA8813750.